The following is an entry in ClinVar:

ClinVar aggregate classification (germline): Likely benign (1 of 4 stars; one submission).

Conditions:
Familial intrahepatic cholestasis. Identifiers: Orphanet 284385, MedGen CN296401, MONDO:0017290.
Low phospholipid associated cholelithiasis (GBD1). Also called: Gallbladder disease 1; Gallstone cholecystitis. Identifiers: Orphanet 69663, MedGen C2609268, MONDO:0010939, OMIM 600803.

gnomAD v4.1: 599 of 1,613,242 alleles (0.037%); highest among the groups gnomAD compares: East Asian, 1.2%; 8 homozygotes.

Submission:

Genomenon, Inc
Classification: Likely benign for Familial intrahepatic cholestasis; Low phospholipid associated cholelithiasis. Last evaluated: 2026-04-14. Review status: criteria provided, single submitter. Criteria: Genomenon Sequence Variant Interpretation Standards - Updated. Collection method: curation. Allele origin: germline. Affected: no.
Comment: ABCB4 c.1732-37A>G is an intronic variant located in intron 14. This variant has been reported in the published literature (PMID:19018976;35741809). This intronic variant is not predicted to impact splicing. This variant’s allele frequency in gnomAD is greater than expected for this disorder. In conclusion, we classify ABCB4 c.1732-37A>G as a likely benign variant.

Literature cited by the submitters: PubMed 19018976; PubMed 35741809.

NM_000443.4(ABCB4):c.1732-37A>G

Gene: ABCB4 (ATP binding cassette subfamily B member 4; minus strand). Cytogenetic location: 7q21.12.
Variant type: single nucleotide variant.
Coding change: c.1732-37A>G on transcript NM_000443.4 (MANE Select); 37 bases into the intron before coding-DNA position 1732, A replaced by G.
Molecular consequence: intron variant.
Genome position (GRCh38, 1-based): chr7:87,431,602, T>C on the plus strand (A>G on the coding strand, the complement: ABCB4 is on the minus strand). VCF-style: chr7-87431602-T-C. GRCh37 (hg19) VCF-style: chr7-87060918-T-C.
Other names: c.1732-37A>G (NM_018850.3, NM_018849.3).
Identifiers: ClinVar variation 4846345 (VCV004846345.1).
Genomic context (GRCh38, chr7:87,431,602, plus strand): 5'-AATGGTGGTCCGGCCTTCTCTGGCCTAAAAGAACAAAAATGTGGTGCATCAGGGTTACAG[T>C]ATTGGCACACTGTCAATTAACATGCACAGTTAAGCACTTGGATGAATGCTGTTTGTAGAT-3'